The following is an entry in ClinVar:

ClinVar aggregate classification (germline): Uncertain significance (1 of 4 stars; one submission).

Allele frequency attached by ClinVar (database versions not stated): ExAC 0.00001.
gnomAD v4.1: 4 of 1,613,432 alleles (0.00025%); highest among the groups gnomAD compares: South Asian, 0.0044%; no homozygotes.

Submission:

Labcorp Genetics (formerly Invitae), Labcorp
Classification: Uncertain significance. Last evaluated: 2024-10-17. Review status: criteria provided, single submitter. Criteria: Invitae Variant Classification Sherloc (09022015). Collection method: clinical testing. Allele origin: germline.
Comment: This sequence change replaces threonine, which is neutral and polar, with isoleucine, which is neutral and non-polar, at codon 89 of the IL21 protein (p.Thr89Ile). This variant is present in population databases (rs762683817, gnomAD 0.003%). This variant has not been reported in the literature in individuals affected with IL21-related conditions. An algorithm developed to predict the effect of missense changes on protein structure and function (PolyPhen-2) suggests that this variant is likely to be disruptive. In summary, the available evidence is currently insufficient to determine the role of this variant in disease. Therefore, it has been classified as a Variant of Uncertain Significance.

NM_021803.4(IL21):c.266C>T (p.Thr89Ile)

Gene: IL21 (interleukin 21; minus strand). Cytogenetic location: 4q27.
Variant type: single nucleotide variant.
Coding change: c.266C>T on transcript NM_021803.4 (MANE Select); coding-DNA position 266, C replaced by T.
Protein change: p.Thr89Ile; replaces threonine 89 with isoleucine.
Molecular consequence: missense variant.
Genome position (GRCh38, 1-based): chr4:122,615,776, G>A on the plus strand (C>T on the coding strand, the complement: IL21 is on the minus strand). VCF-style: chr4-122615776-G-A. GRCh37 (hg19) VCF-style: chr4-123536931-G-A.
Other names: c.266C>T, p.Thr89Ile (NM_001207006.3); short protein forms T89I.
Identifiers: ClinVar variation 2995480 (VCV002995480.3), dbSNP rs762683817, ClinGen allele CA3069140.